The following is an entry in ClinVar:

ClinVar aggregate classification (germline): Uncertain significance (1 of 4 stars; one submission).

Conditions:
Nance-Horan syndrome (NHS). Identifiers: Orphanet 627, MedGen C0796085, MONDO:0010545, OMIM 302350.

Submission:

Labcorp Genetics (formerly Invitae), Labcorp
Classification: Uncertain significance for Nance-Horan syndrome. Last evaluated: 2024-04-09. Review status: criteria provided, single submitter. Criteria: Invitae Variant Classification Sherloc (09022015). Collection method: clinical testing. Allele origin: germline.
Comment: This sequence change replaces arginine, which is basic and polar, with proline, which is neutral and non-polar, at codon 137 of the NHS protein (p.Arg137Pro). This variant is not present in population databases (gnomAD no frequency). This variant has not been reported in the literature in individuals affected with NHS-related conditions. An algorithm developed to predict the effect of missense changes on protein structure and function (PolyPhen-2) suggests that this variant is likely to be disruptive. In summary, the available evidence is currently insufficient to determine the role of this variant in disease. Therefore, it has been classified as a Variant of Uncertain Significance.

NM_001291867.2(NHS):c.410G>C (p.Arg137Pro)

Gene: NHS (NHS actin remodeling regulator; plus strand). Cytogenetic location: Xp22.2.
Variant type: single nucleotide variant.
Coding change: c.410G>C on transcript NM_001291867.2 (MANE Select); coding-DNA position 410, G replaced by C.
Protein change: p.Arg137Pro; replaces arginine 137 with proline.
Molecular consequence: missense variant.
Genome position (GRCh38, 1-based): chrX:17,376,167, G>C. VCF-style: chrX-17376167-G-C. GRCh37 (hg19) VCF-style: chrX-17394290-G-C.
Other names: c.410G>C, p.Arg137Pro (NM_198270.4); short protein forms R137P.
Identifiers: ClinVar variation 2713998 (VCV002713998.3), dbSNP rs1206899413, ClinGen allele CA412484682.